The following is an entry in ClinVar:

NM_000304.4(PMP22):c.458A>G (p.Tyr153Cys)

Gene: PMP22 (peripheral myelin protein 22; minus strand). Cytogenetic location: 17p12.
Variant type: single nucleotide variant.
Coding change: c.458A>G on transcript NM_000304.4 (MANE Select); coding-DNA position 458, A replaced by G.
Protein change: p.Tyr153Cys; replaces tyrosine 153 with cysteine.
Molecular consequence: missense variant. On other transcripts: non-coding transcript variant (2).
Genome position (GRCh38, 1-based): chr17:15,230,942, T>C on the plus strand (A>G on the coding strand, the complement: PMP22 is on the minus strand). VCF-style: chr17-15230942-T-C. GRCh37 (hg19) VCF-style: chr17-15134259-T-C.
Other names: c.458A>G, p.Tyr153Cys (NM_001281455.2, NM_001281456.2, NM_153321.3 and 1 more transcripts); short protein forms Y153C.
Identifiers: ClinVar variation 1400754 (VCV001400754.11), dbSNP rs761138676, ClinGen allele CA288864490.
Genomic context (GRCh38, chr17:15,230,942, plus strand): 5'-TACGCTCAGAGCCTCAGACAGACCGTCTGGGCGCCTCATTCGCGTTTCCGCAAGATCACA[T>C]AGATGACACCGCTGAGAAGGGCCAGGGGGAAGGCCACCCAGGCCAGGATGTAGGCGAAAC-3'
Protein context (NP_000295.1, residues 143-160): FPLALLSGVI[Tyr153Cys]VILRKRE

ClinVar aggregate classification (germline): Uncertain significance. Review status: criteria provided, multiple submitters, no conflicts (2 of 4 stars). 2 submissions from 2 submitters: Uncertain significance (2). Last evaluated 2024-12-16.

Conditions:
Charcot-Marie-Tooth disease, type I (CMT1). Also called: Charcot-Marie-Tooth disease type 1; Charcot-Marie-Tooth, Type 1. Identifiers: Orphanet 65753, MedGen C0751036, MONDO:0019011.
Inborn genetic diseases. Identifiers: MedGen C0950123, MeSH D030342.

Allele frequency attached by ClinVar (database versions not stated): gnomAD exomes below 0.00001 and 0.00001; gnomAD 0.00001 and 0.00002; TOPMed 0.00002.
gnomAD v4.1: 20 of 1,613,994 alleles (0.0012%); highest among the groups gnomAD compares: Admixed American, 0.0017%; no homozygotes.

Submissions (2):

Ambry Genetics
Classification: Uncertain significance for Inborn genetic diseases. Last evaluated: 2024-12-16. Review status: criteria provided, single submitter. Criteria: Ambry Variant Classification Scheme 2023. Collection method: clinical testing. Allele origin: germline.

Labcorp Genetics (formerly Invitae), Labcorp
Classification: Uncertain significance for Charcot-Marie-Tooth disease, type I. Last evaluated: 2023-10-13. Review status: criteria provided, single submitter. Criteria: Invitae Variant Classification Sherloc (09022015). Collection method: clinical testing. Allele origin: germline.
Comment: This sequence change replaces tyrosine, which is neutral and polar, with cysteine, which is neutral and slightly polar, at codon 153 of the PMP22 protein (p.Tyr153Cys). This variant is present in population databases (rs761138676, gnomAD 0.0009%). This missense change has been observed in individual(s) with clinical features of PMP22-related conditions (Invitae). ClinVar contains an entry for this variant (Variation ID: 1400754). Advanced modeling of protein sequence and biophysical properties (such as structural, functional, and spatial information, amino acid conservation, physicochemical variation, residue mobility, and thermodynamic stability) performed at Invitae indicates that this missense variant is expected to disrupt PMP22 protein function. In summary, the available evidence is currently insufficient to determine the role of this variant in disease. Therefore, it has been classified as a Variant of Uncertain Significance.